The following is an entry in ClinVar:

ClinVar aggregate classification (germline): Likely benign. Review status: criteria provided, multiple submitters, no conflicts (2 of 4 stars). 2 submissions from 2 submitters: Likely benign (2). Last evaluated 2025-10-01.

Conditions:
Tuberous sclerosis 2 (TSC2). Identifiers: Orphanet 805, MedGen C1860707, MONDO:0013199, OMIM 613254.

Allele frequency attached by ClinVar (database versions not stated): gnomAD 0.00001; TOPMed 0.00002.

Submissions (2):

Labcorp Genetics (formerly Invitae), Labcorp
Classification: Likely benign for Tuberous sclerosis 2. Last evaluated: 2025-10-01. Review status: criteria provided, single submitter. Criteria: Invitae Variant Classification Sherloc (09022015). Collection method: clinical testing. Allele origin: germline.

Myriad Genetics, Inc.
Classification: Likely benign for Tuberous sclerosis 2. Last evaluated: 2025-05-13. Review status: criteria provided, single submitter. Criteria: Myriad Autosomal Dominant, Autosomal Recessive and X-Linked Classification Criteria (2023). Collection method: clinical testing. Allele origin: unknown.
Comment: This variant is considered likely benign. This variant is intronic and is not expected to impact mRNA splicing.

NM_000548.5(TSC2):c.1119+8G>T

Gene: TSC2 (TSC complex subunit 2; plus strand). Cytogenetic location: 16p13.3.
Variant type: single nucleotide variant.
Coding change: c.1119+8G>T on transcript NM_000548.5 (MANE Select); 8 bases into the intron after coding-DNA position 1119, G replaced by T.
Molecular consequence: intron variant.
Genome position (GRCh38, 1-based): chr16:2,060,821, G>T. VCF-style: chr16-2060821-G-T. GRCh37 (hg19) VCF-style: chr16-2110822-G-T.
Other names: c.1119+8G>T (NM_001114382.3, NM_021055.3, NM_001370405.1 and 3 more transcripts); c.1008+8G>T (NM_001318827.2); c.519+8G>T (NM_001318831.2); c.972+8G>T (NM_001318829.2); c.1152+8G>T (NM_001318832.2).
Identifiers: ClinVar variation 758919 (VCV000758919.11), dbSNP rs1377444061, ClinGen allele CA620704773.